The following is an entry in ClinVar:

NM_004006.3(DMD):c.3121C>T (p.Gln1041Ter)

Gene: DMD (dystrophin; minus strand). Cytogenetic location: Xp21.1.
Variant type: single nucleotide variant.
Coding change: c.3121C>T on transcript NM_004006.3 (MANE Select); coding-DNA position 3121, C replaced by T.
Protein change: p.Gln1041Ter; replaces glutamine 1041 with a stop codon.
Molecular consequence: nonsense.
Genome position (GRCh38, 1-based): chrX:32,468,539, G>A on the plus strand (C>T on the coding strand, the complement: DMD is on the minus strand). VCF-style: chrX-32468539-G-A. GRCh37 (hg19) VCF-style: chrX-32486656-G-A.
Other names: NP_003997.1:p.Gln1041*; c.3097C>T, p.Gln1033Ter (NM_000109.4); c.3109C>T, p.Gln1037Ter (NM_004009.3); c.2752C>T, p.Gln918Ter (NM_004010.3); short protein forms Q1041*, Q1033*, Q918*, Q1037*.
Identifiers: ClinVar variation 11254 (VCV000011254.16), dbSNP rs128626245, ClinGen allele CA273094.

ClinVar aggregate classification (germline): Pathogenic. Review status: criteria provided, multiple submitters, no conflicts (2 of 4 stars). 3 submissions from 3 submitters: Pathogenic (2). 1 of the submissions does not count toward it. Last evaluated 2019-12-19.

Conditions:
Duchenne muscular dystrophy (DMD). Also called: MUSCULAR DYSTROPHY, PSEUDOHYPERTROPHIC PROGRESSIVE, DUCHENNE TYPE; Duchenne Muscular Dystrophy (DMD). Identifiers: Orphanet 98896, MedGen C0013264, MONDO:0010679, OMIM 310200.

Submissions (3):

Labcorp Genetics (formerly Invitae), Labcorp
Classification: Pathogenic for Duchenne muscular dystrophy. Last evaluated: 2019-12-19. Review status: criteria provided, single submitter. Criteria: Invitae Variant Classification Sherloc (09022015). Collection method: clinical testing. Allele origin: germline.
Comment: This variant is not present in population databases (ExAC no frequency). For these reasons, this variant has been classified as Pathogenic. Loss-of-function variants in DMD are known to be pathogenic (PMID: 16770791, 25007885). This variant has been observed in individual(s) with clinical features of DMD-related conditions (PMID: 7951253, 30833962, 19937601). ClinVar contains an entry for this variant (Variation ID: 11254). This sequence change creates a premature translational stop signal (p.Gln1041*) in the DMD gene. It is expected to result in an absent or disrupted protein product.

Eurofins Ntd Llc (ga)
Classification: Pathogenic. Last evaluated: 2017-08-07. Review status: criteria provided, single submitter. Criteria: EGL Classification Definitions 2015. Collection method: clinical testing. Allele origin: germline. Observed: 3 variant alleles, 1 heterozygote, 2 hemizygotes.

OMIM
Classification: Pathogenic for DUCHENNE MUSCULAR DYSTROPHY. Last evaluated: 1994-01-01. Review status: no assertion criteria provided. Collection method: literature only. Allele origin: germline. Not counted in ClinVar's aggregate classification.

Literature cited by the submitters: PubMed 16770791 (cited by Labcorp Genetics (formerly Invitae), Labcorp); PubMed 25007885 (cited by Labcorp Genetics (formerly Invitae), Labcorp); PubMed 7951253 (cited by Labcorp Genetics (formerly Invitae), Labcorp and OMIM); PubMed 30833962 (cited by Labcorp Genetics (formerly Invitae), Labcorp); PubMed 19937601 (cited by Labcorp Genetics (formerly Invitae), Labcorp).